The following is an entry in ClinVar:

NM_004370.6(COL12A1):c.3311G>A (p.Arg1104Gln)

Gene: COL12A1 (collagen type XII alpha 1 chain; minus strand). Cytogenetic location: 6q13.
Variant type: single nucleotide variant.
Coding change: c.3311G>A on transcript NM_004370.6 (MANE Select); coding-DNA position 3311, G replaced by A.
Protein change: p.Arg1104Gln; replaces arginine 1104 with glutamine.
Molecular consequence: missense variant. On other transcripts: intron variant (1).
Genome position (GRCh38, 1-based): chr6:75,155,794, C>T on the plus strand (G>A on the coding strand, the complement: COL12A1 is on the minus strand). VCF-style: chr6-75155794-C-T. GRCh37 (hg19) VCF-style: chr6-75865510-C-T.
Other names: c.74-3312G>A (NM_080645.3); short protein forms R1104Q.
Identifiers: ClinVar variation 1424868 (VCV001424868.8), dbSNP rs2149423255, ClinGen allele CA364752806.
Genomic context (GRCh38, chr6:75,155,794, plus strand): 5'-GTAGGGTGGAATGTGACTTTATAACCCTTCACTTCCCCAGGGGCAGGCTCCCAAGTCACT[C>T]GGAAGCTTGACATGGTTGGGTCAGATGTTTTGAGGTTTCTAGGAGACTTAAACCGAGAAG-3'
Protein context (NP_004361.3, residues 1094-1114): KTSDPTMSSF[Arg1104Gln]VTWEPAPGEV

ClinVar aggregate classification (germline): Uncertain significance (1 of 4 stars; one submission).

Conditions:
Ullrich congenital muscular dystrophy 2 (UCMD2). Identifiers: Orphanet 75840, MedGen C4225314, MONDO:0014654, OMIM 616470.
Bethlem myopathy 2 (BTHLM2). Identifiers: Orphanet 536516, Orphanet 610, MedGen C4225313, MONDO:0034022, OMIM 616471.

Submission:

Labcorp Genetics (formerly Invitae), Labcorp
Classification: Uncertain significance for Bethlem myopathy 2; Ullrich congenital muscular dystrophy 2. Last evaluated: 2021-07-16. Review status: criteria provided, single submitter. Criteria: Invitae Variant Classification Sherloc (09022015). Collection method: clinical testing. Allele origin: germline.
Comment: This variant has not been reported in the literature in individuals affected with COL12A1-related conditions. Algorithms developed to predict the effect of missense changes on protein structure and function are either unavailable or do not agree on the potential impact of this missense change (SIFT: "Deleterious"; PolyPhen-2: "Probably Damaging"; Align-GVGD: "Class C0"). In summary, the available evidence is currently insufficient to determine the role of this variant in disease. Therefore, it has been classified as a Variant of Uncertain Significance. This variant is not present in population databases (ExAC no frequency). This sequence change replaces arginine with glutamine at codon 1104 of the COL12A1 protein (p.Arg1104Gln). The arginine residue is highly conserved and there is a small physicochemical difference between arginine and glutamine.